The following is an entry in ClinVar:

NM_014249.4(NR2E3):c.225_245+6del

Gene: NR2E3 (nuclear receptor subfamily 2 group E member 3; plus strand). Cytogenetic location: 15q23.
Variant type: Deletion.
Coding change: c.225_245+6del on transcript NM_014249.4 (MANE Select); coding-DNA position 225 through 6 bases into the intron after coding-DNA position 245, 27 bases deleted (ACGGCGGAGGCTCATCTACAGGTGAGT).
Molecular consequence: splice donor variant.
Genome position (GRCh38, 1-based): chr15:71,811,589-71,811,615, ACGGCGGAGGCTCATCTACAGGTGAGT deleted; deleting any 27 consecutive bases within chr15:71,811,587-71,811,615 gives the same sequence; the c. name uses the placement nearest the transcript's 3' end. VCF-style (leftmost placement, unchanged base first): chr15-71811586-CGTACGGCGGAGGCTCATCTACAGGTGA-C. GRCh37 (hg19) VCF-style: chr15-72103926-CGTACGGCGGAGGCTCATCTACAGGTGA-C.
Other names: c.225_245+6del (NM_016346.4).
Identifiers: ClinVar variation 2677366 (VCV002677366.4), dbSNP rs2543253358, ClinGen allele CA2695197299.

ClinVar aggregate classification (germline): Pathogenic/Likely pathogenic. Review status: criteria provided, multiple submitters, no conflicts (2 of 4 stars). 2 submissions from 2 submitters: Pathogenic (1); Likely pathogenic (1). Last evaluated 2023-07-23.

Conditions:
Enhanced S-cone syndrome (ESCS). Identifiers: Orphanet 53540, MedGen C1849394, MONDO:0100288, MONDO:0009989.

Submissions (2):

Labcorp Genetics (formerly Invitae), Labcorp
Classification: Pathogenic. Last evaluated: 2023-07-23. Review status: criteria provided, single submitter. Criteria: Invitae Variant Classification Sherloc (09022015). Collection method: clinical testing. Allele origin: germline.
Comment: This variant results in the deletion of part of exon 2 (c.225_245+6del) of the NR2E3 gene. It is expected to disrupt RNA splicing. Variants that disrupt the donor or acceptor splice site typically lead to a loss of protein function (PMID: 16199547), and loss-of-function variants in NR2E3 are known to be pathogenic (PMID: 15459973, 27522502). This variant is not present in population databases (gnomAD no frequency). This variant has not been reported in the literature in individuals affected with NR2E3-related conditions. Algorithms developed to predict the effect of sequence changes on RNA splicing suggest that this variant may disrupt the consensus splice site. This variant disrupts a region of the NR2E3 protein in which other variant(s) (p.Arg76Trp) have been determined to be pathogenic (PMID: 10655056, 26667666, 28559085). This suggests that this is a clinically significant region of the protein, and that variants that disrupt it are likely to be disease-causing. For these reasons, this variant has been classified as Pathogenic.

Baylor Genetics
Classification: Likely pathogenic for ENHANCED S-CONE SYNDROME 1. Last evaluated: 2023-03-27. Review status: criteria provided, single submitter. Criteria: ACMG Guidelines, 2015. Collection method: clinical testing. Allele origin: unknown.

Literature cited by the submitters: PubMed 16199547 (cited by Labcorp Genetics (formerly Invitae), Labcorp); PubMed 15459973 (cited by Labcorp Genetics (formerly Invitae), Labcorp); PubMed 27522502 (cited by Labcorp Genetics (formerly Invitae), Labcorp); PubMed 10655056 (cited by Labcorp Genetics (formerly Invitae), Labcorp); PubMed 26667666 (cited by Labcorp Genetics (formerly Invitae), Labcorp); PubMed 28559085 (cited by Labcorp Genetics (formerly Invitae), Labcorp).